The following is an entry in ClinVar:

ClinVar aggregate classification (germline): Uncertain significance (1 of 4 stars; one submission).

Allele frequency attached by ClinVar (database versions not stated): TOPMed below 0.00001.

Submission:

CeGaT Center for Human Genetics Tuebingen
Classification: Uncertain significance. Last evaluated: 2023-05-01. Review status: criteria provided, single submitter. Criteria: CeGaT Center For Human Genetics Tuebingen Variant Classification Criteria Version 2. Collection method: clinical testing. Allele origin: germline. Affected: yes. Observed: 1 variant allele.
Comment: FBN3: PM2

NM_032447.5(FBN3):c.1375C>T (p.His459Tyr)

Gene: FBN3 (fibrillin 3; minus strand). Cytogenetic location: 19p13.2.
Variant type: single nucleotide variant.
Coding change: c.1375C>T on transcript NM_032447.5 (MANE Select); coding-DNA position 1375, C replaced by T.
Protein change: p.His459Tyr; replaces histidine 459 with tyrosine.
Molecular consequence: missense variant.
Genome position (GRCh38, 1-based): chr19:8,136,280, G>A on the plus strand (C>T on the coding strand, the complement: FBN3 is on the minus strand). VCF-style: chr19-8136280-G-A. GRCh37 (hg19) VCF-style: chr19-8201164-G-A.
Other names: c.1375C>T, p.His459Tyr (NM_001321431.2); short protein forms H459Y.
Identifiers: ClinVar variation 2649191 (VCV002649191.24), dbSNP rs2083279075, ClinGen allele CA403709599.